The following is an entry in ClinVar:

NM_003072.5(SMARCA4):c.4246G>C (p.Asp1416His)

Gene: SMARCA4 (SWI/SNF related BAF chromatin remodeling complex subunit ATPase 4; plus strand). Cytogenetic location: 19p13.2.
Variant type: single nucleotide variant.
Coding change: c.4246G>C on transcript NM_003072.5 (MANE Select); coding-DNA position 4246, G replaced by C.
Protein change: p.Asp1416His; replaces aspartic acid 1416 with histidine.
Molecular consequence: missense variant. On other transcripts: non-coding transcript variant (1).
Genome position (GRCh38, 1-based): chr19:11,041,382, G>C. VCF-style: chr19-11041382-G-C. GRCh37 (hg19) VCF-style: chr19-11152058-G-C.
Other names: c.4246G>C, p.Asp1416His (NM_001128844.3); c.4156G>C, p.Asp1386His (NM_001128845.2, NM_001128846.2); c.4147G>C, p.Asp1383His (NM_001128847.4, NM_001128848.2, NM_001374457.1); c.4342G>C, p.Asp1448His (NM_001128849.3, NM_001387283.1); short protein forms D1386H, D1383H, D1416H, D1448H.
Identifiers: ClinVar variation 654575 (VCV000654575.8), dbSNP rs1600466835, ClinGen allele CA404073184.

ClinVar aggregate classification (germline): Uncertain significance (1 of 4 stars; one submission).

Conditions:
Rhabdoid tumor predisposition syndrome 2 (RTPS2). Identifiers: Orphanet 231108, Orphanet 69077, MedGen C2750074, MONDO:0013224, OMIM 613325.

Submission:

Labcorp Genetics (formerly Invitae), Labcorp
Classification: Uncertain significance for Rhabdoid tumor predisposition syndrome 2. Last evaluated: 2018-10-04. Review status: criteria provided, single submitter. Criteria: Invitae Variant Classification Sherloc (09022015). Collection method: clinical testing. Allele origin: germline.
Comment: In summary, the available evidence is currently insufficient to determine the role of this variant in disease. Therefore, it has been classified as a Variant of Uncertain Significance. Algorithms developed to predict the effect of missense changes on protein structure and function (SIFT, PolyPhen-2, Align-GVGD) all suggest that this variant is likely to be disruptive, but these predictions have not been confirmed by published functional studies and their clinical significance is uncertain. This variant has not been reported in the literature in individuals with SMARCA4-related disease. This variant is not present in population databases (ExAC no frequency). This sequence change replaces aspartic acid with histidine at codon 1448 of the SMARCA4 protein (p.Asp1448His). The aspartic acid residue is highly conserved and there is a moderate physicochemical difference between aspartic acid and histidine.